The following is an entry in ClinVar:

ClinVar aggregate classification (germline): Uncertain significance (1 of 4 stars; one submission).

Submission:

Labcorp Genetics (formerly Invitae), Labcorp
Classification: Uncertain significance. Last evaluated: 2021-09-07. Review status: criteria provided, single submitter. Criteria: Invitae Variant Classification Sherloc (09022015). Collection method: clinical testing. Allele origin: germline.
Comment: This sequence change falls in intron 8 of the SNRNP200 gene. It does not directly change the encoded amino acid sequence of the SNRNP200 protein. It affects a nucleotide within the consensus splice site of the intron. This variant is not present in population databases (ExAC no frequency). This variant has not been reported in the literature in individuals affected with SNRNP200-related conditions. Variants that disrupt the consensus splice site are a relatively common cause of aberrant splicing (PMID: 17576681, 9536098). Algorithms developed to predict the effect of sequence changes on RNA splicing suggest that this variant may disrupt the consensus splice site. In summary, the available evidence is currently insufficient to determine the role of this variant in disease. Therefore, it has been classified as a Variant of Uncertain Significance.

Literature cited by the submitters: PubMed 17576681; PubMed 9536098.

NM_014014.5(SNRNP200):c.982+6T>A

Gene: SNRNP200 (small nuclear ribonucleoprotein U5 subunit 200; minus strand). Cytogenetic location: 2q11.2.
Variant type: single nucleotide variant.
Coding change: c.982+6T>A on transcript NM_014014.5 (MANE Select); 6 bases into the intron after coding-DNA position 982, T replaced by A.
Molecular consequence: intron variant.
Genome position (GRCh38, 1-based): chr2:96,298,597, A>T on the plus strand (T>A on the coding strand, the complement: SNRNP200 is on the minus strand). VCF-style: chr2-96298597-A-T. GRCh37 (hg19) VCF-style: chr2-96964335-A-T.
Identifiers: ClinVar variation 1503810 (VCV001503810.6), dbSNP rs2063933993, ClinGen allele CA2573135947.